The following is an entry in ClinVar:

NM_017617.5(NOTCH1):c.2743C>G (p.Pro915Ala)

Gene: NOTCH1 (notch receptor 1; minus strand). Cytogenetic location: 9q34.3.
Variant type: single nucleotide variant.
Coding change: c.2743C>G on transcript NM_017617.5 (MANE Select); coding-DNA position 2743, C replaced by G.
Protein change: p.Pro915Ala; replaces proline 915 with alanine.
Molecular consequence: missense variant.
Genome position (GRCh38, 1-based): chr9:136,509,959, G>C on the plus strand (C>G on the coding strand, the complement: NOTCH1 is on the minus strand). VCF-style: chr9-136509959-G-C. GRCh37 (hg19) VCF-style: chr9-139404411-G-C.
Other names: c.2743C>G, p.Pro915Ala (LRG_1122t1); short protein forms P915A.
Identifiers: ClinVar variation 241130 (VCV000241130.9), dbSNP rs878855024, ClinGen allele CA10582646.
Genomic context (GRCh38, chr9:136,509,959, plus strand): 5'-GCAGGCAGTCGCAGAAGGCCGTGTTGATGCCGTCTGTGCAGGAGCCCCCGTTGTGACACG[G>C]GTCTGGGAGAGGACGGAAGGGTGAGTGTGAGGGGCAGGCACAAACCCACACCTGCGGGAG-3'
Protein context (NP_060087.3, residues 905-925): ETDIDDCRPN[Pro915Ala]CHNGGSCTDG

ClinVar aggregate classification (germline): Uncertain significance. Review status: criteria provided, multiple submitters, no conflicts (2 of 4 stars). 2 submissions from 2 submitters: Uncertain significance (2). Last evaluated 2024-06-08.

Conditions:
Adams-Oliver syndrome 5 (AOS5). Identifiers: Orphanet 974, MedGen C4014970, MONDO:0014459, OMIM 616028.
Familial thoracic aortic aneurysm and aortic dissection (TAAD). Also called: Thoracic aortic aneurysms and dissections. Identifiers: Orphanet 91387, MedGen C4707243, MONDO:0019625.

Allele frequency attached by ClinVar (database versions not stated): gnomAD exomes below 0.00001; TOPMed 0.00001.
gnomAD v4.1: 2 of 1,612,908 alleles (0.00012%); highest among the groups gnomAD compares: African/African-American, 0.0013%; no homozygotes.

Submissions (2):

Labcorp Genetics (formerly Invitae), Labcorp
Classification: Uncertain significance for Adams-Oliver syndrome 5. Last evaluated: 2024-06-08. Review status: criteria provided, single submitter. Criteria: Invitae Variant Classification Sherloc (09022015). Collection method: clinical testing. Allele origin: germline.
Comment: This sequence change replaces proline, which is neutral and non-polar, with alanine, which is neutral and non-polar, at codon 915 of the NOTCH1 protein (p.Pro915Ala). This variant is present in population databases (no rsID available, gnomAD 0.003%). This variant has not been reported in the literature in individuals affected with NOTCH1-related conditions. ClinVar contains an entry for this variant (Variation ID: 241130). An algorithm developed to predict the effect of missense changes on protein structure and function (PolyPhen-2) suggests that this variant is likely to be disruptive. In summary, the available evidence is currently insufficient to determine the role of this variant in disease. Therefore, it has been classified as a Variant of Uncertain Significance.

Ambry Genetics
Classification: Uncertain significance for Familial thoracic aortic aneurysm and aortic dissection. Last evaluated: 2023-04-17. Review status: criteria provided, single submitter. Criteria: Ambry Variant Classification Scheme 2023. Collection method: clinical testing. Allele origin: germline.